The following is an entry in ClinVar:

NM_177438.3(DICER1):c.911C>A (p.Ser304Ter)

Gene: DICER1 (dicer 1, ribonuclease III; minus strand). Cytogenetic location: 14q32.13.
Variant type: single nucleotide variant.
Coding change: c.911C>A on transcript NM_177438.3 (MANE Select); coding-DNA position 911, C replaced by A.
Protein change: p.Ser304Ter; replaces serine 304 with a stop codon.
Molecular consequence: nonsense.
Genome position (GRCh38, 1-based): chr14:95,124,661, G>T on the plus strand (C>A on the coding strand, the complement: DICER1 is on the minus strand). VCF-style: chr14-95124661-G-T. GRCh37 (hg19) VCF-style: chr14-95590998-G-T.
Other names: c.911C>A, p.Ser304Ter (NM_001195573.1, NM_001271282.3, NM_001291628.2 and 1 more transcripts); short protein forms S304*.
Identifiers: ClinVar variation 933004 (VCV000933004.3), dbSNP rs1893253451, ClinGen allele CA390887386.

ClinVar aggregate classification (germline): Pathogenic (1 of 4 stars; one submission).

Conditions:
DICER1-related tumor predisposition. Also called: DICER1-related pleuropulmonary blastoma cancer predisposition syndrome; DICER1 syndrome. Identifiers: Orphanet 284343, MedGen C3839822, MONDO:0100216.

Submission:

Foulkes Cancer Genetics LDI, Lady Davis Institute for Medical Research
Classification: Pathogenic for Pleuropulmonary blastoma. Last evaluated: 2019-07-01. Review status: criteria provided, single submitter. Criteria: ACMG Guidelines, 2015. Collection method: curation. Allele origin: somatic. Affected: yes. Observed: 1 variant allele.
Comment: ACMG criteria met: PVS1, PM2, PP3

Literature cited by the submitters: PubMed 29726952.